The following is an entry in ClinVar:

NM_005751.5(AKAP9):c.5369-3T>C

Gene: AKAP9 (A-kinase anchoring protein 9; plus strand). Cytogenetic location: 7q21.2.
Variant type: single nucleotide variant.
Coding change: c.5369-3T>C on transcript NM_005751.5 (MANE Select); 3 bases into the intron before coding-DNA position 5369, T replaced by C.
Molecular consequence: intron variant.
Genome position (GRCh38, 1-based): chr7:92,052,723, T>C. VCF-style: chr7-92052723-T-C. GRCh37 (hg19) VCF-style: chr7-91682037-T-C.
Other names: c.5369-3T>C (NM_147185.3).
Identifiers: ClinVar variation 457107 (VCV000457107.16), dbSNP rs375778014, ClinGen allele CA4336782.

ClinVar aggregate classification (germline): Conflicting classifications of pathogenicity. Review status: criteria provided, conflicting classifications (1 of 4 stars). 4 submissions from 4 submitters: Uncertain significance (2); Likely benign (2). Last evaluated 2025-04-07.

Conditions:
Cardiovascular phenotype. Identifiers: MedGen CN230736.
Long QT syndrome (LQTS). Identifiers: MedGen C0023976, MeSH D008133, MONDO:0002442. Disease mechanism: loss of function. Inheritance: Various modes of inheritance.
Long QT syndrome 11 (LQT11). Identifiers: Orphanet 101016, Orphanet 768, MedGen C2678483, MONDO:0012738, OMIM 611820.

Allele frequency attached by ClinVar (database versions not stated): gnomAD exomes 0.00018 and 0.00003; 1000 Genomes Project 30x 0.00078; 1000 Genomes Project 0.00100; gnomAD 0.00003 and 0.00007; TOPMed 0.00005; ExAC 0.00011.

Submissions (4):

Labcorp Genetics (formerly Invitae), Labcorp
Classification: Uncertain significance for Long QT syndrome. Last evaluated: 2025-04-07. Review status: criteria provided, single submitter. Criteria: Invitae Variant Classification Sherloc (09022015). Collection method: clinical testing. Allele origin: germline.
Comment: This sequence change falls in intron 21 of the AKAP9 gene. It does not directly change the encoded amino acid sequence of the AKAP9 protein. It affects a nucleotide within the consensus splice site. This variant is present in population databases (rs375778014, gnomAD 0.2%), and has an allele count higher than expected for a pathogenic variant. This variant has not been reported in the literature in individuals affected with AKAP9-related conditions. ClinVar contains an entry for this variant (Variation ID: 457107). Variants that disrupt the consensus splice site are a relatively common cause of aberrant splicing (PMID: 17576681, 9536098). Algorithms developed to predict the effect of sequence changes on RNA splicing suggest that this variant is not likely to affect RNA splicing. In summary, the available evidence is currently insufficient to determine the role of this variant in disease. Therefore, it has been classified as a Variant of Uncertain Significance.

Blueprint Genetics
Classification: Likely benign. Last evaluated: 2021-12-10. Review status: criteria provided, single submitter. Criteria: ACMG Guidelines, 2015. Collection method: clinical testing. Allele origin: germline.

Fulgent Genetics
Classification: Uncertain significance for Long QT syndrome 11. Last evaluated: 2021-10-07. Review status: criteria provided, single submitter. Criteria: ACMG Guidelines, 2015. Collection method: clinical testing. Allele origin: unknown.

Ambry Genetics
Classification: Likely benign for Cardiovascular phenotype. Last evaluated: 2019-11-11. Review status: criteria provided, single submitter. Criteria: Ambry Variant Classification Scheme 2023. Collection method: clinical testing. Allele origin: germline.

Literature cited by the submitters: PubMed 17576681 (cited by Labcorp Genetics (formerly Invitae), Labcorp); PubMed 9536098 (cited by Labcorp Genetics (formerly Invitae), Labcorp).